The following is an entry in ClinVar:

ClinVar aggregate classification (germline): Pathogenic (1 of 4 stars; one submission).

Conditions:
Cortical dysplasia-focal epilepsy syndrome (PTHSL1). Also called: Pitt-Hopkins-like syndrome 1. Identifiers: Orphanet 163681, Orphanet 221150, MedGen C2750246, MONDO:0012400, OMIM 610042.

Submission:

Labcorp Genetics (formerly Invitae), Labcorp
Classification: Pathogenic for Cortical dysplasia-focal epilepsy syndrome. Last evaluated: 2019-09-28. Review status: criteria provided, single submitter. Criteria: Invitae Variant Classification Sherloc (09022015). Collection method: clinical testing. Allele origin: germline.
Comment: This variant has not been reported in the literature in individuals with CNTNAP2-related conditions. For these reasons, this variant has been classified as Pathogenic. This variant disrupts the C-terminus of the CNTNAP2 protein. Other variant(s) that disrupt this region (p.Asp1237Ilefs*17) have been determined to be pathogenic (PMID: 16571880, 22872700). This suggests that variants that disrupt this region of the protein are likely to be causative of disease. This variant is a gross deletion of the genomic region encompassing exons 10-24 of the CNTNAP2 gene. The 5' boundary is likely confined to intron 9. The 3' end of this event is unknown as it extends through the termination codon beyond the assayed region for this gene and may encompass additional genes. While this deletion is not anticipated to result in nonsense mediated decay, it is expected to create a truncated protein product or disrupt mRNA translation.

Literature cited by the submitters: PubMed 16571880; PubMed 22872700.

NC_000007.14:g.(?_147395589)_(148847318_?)del

Genes: C7orf33 (chromosome 7 open reading frame 33; plus strand), CNTNAP2 (contactin associated protein 2; plus strand), EZH2 (enhancer of zeste 2 polycomb repressive complex 2 subunit; minus strand), CUL1 (cullin 1; plus strand). Cytogenetic location: 7q35-36.1.
Variant type: Deletion.
Identifiers: ClinVar variation 833138 (VCV000833138.9).